The following is an entry in ClinVar:

NM_000051.4(ATM):c.513C>G (p.Tyr171Ter)

Gene: ATM (ATM serine/threonine kinase; plus strand). Cytogenetic location: 11q22.3.
Variant type: single nucleotide variant.
Coding change: c.513C>G on transcript NM_000051.4 (MANE Select); coding-DNA position 513, C replaced by G.
Protein change: p.Tyr171Ter; replaces tyrosine 171 with a stop codon.
Molecular consequence: nonsense.
Genome position (GRCh38, 1-based): chr11:108,243,969, C>G. VCF-style: chr11-108243969-C-G. GRCh37 (hg19) VCF-style: chr11-108114696-C-G.
Other names: c.513C>G, p.Tyr171Ter (NM_001351834.2); short protein forms Y171*.
Identifiers: ClinVar variation 184787 (VCV000184787.40), dbSNP rs786201693, ClinGen allele CA190051.

ClinVar aggregate classification (germline): Pathogenic. Review status: criteria provided, multiple submitters, no conflicts (2 of 4 stars). 8 submissions from 8 submitters: Pathogenic (7). 1 of the submissions does not count toward it. Last evaluated 2025-09-11.

Conditions:
Hereditary cancer-predisposing syndrome. Also called: Tumor predisposition; Neoplastic Syndromes, Hereditary; Hereditary Cancer Syndrome; Hereditary neoplastic syndrome. Identifiers: Orphanet 140162, MedGen C0027672, MeSH D009386, MONDO:0015356.
Familial cancer of breast. Also called: hereditary breast carcinoma; BREAST CANCER, FAMILIAL; Hereditary breast cancer. Identifiers: Orphanet 227535, MedGen C0346153, MONDO:0016419, OMIM 114480. Disease mechanism: loss of function.
Ataxia-telangiectasia syndrome (AT). Also called: LOUIS-BAR SYNDROME; Ataxia-telangiectasia, complementation group D; Ataxia telangiectasia (A-T); AT, COMPLEMENTATION GROUP C; ATAXIA-TELANGIECTASIA, COMPLEMENTATION GROUP A; ATAXIA-TELANGIECTASIA, FRESNO VARIANT. Identifiers: Orphanet 100, MedGen C0004135, MONDO:0008840, OMIM 208900.

Allele frequency attached by ClinVar (database versions not stated): gnomAD exomes below 0.00001; TOPMed below 0.00001.
gnomAD v4.1: 7 of 1,590,236 alleles (0.00044%); highest among the groups gnomAD compares: Non-Finnish European, 0.00051%; no homozygotes.

Submissions (8):

Ambry Genetics
Classification: Pathogenic for Hereditary cancer-predisposing syndrome. Last evaluated: 2025-09-11. Review status: criteria provided, single submitter. Criteria: Ambry Variant Classification Scheme 2023. Collection method: clinical testing. Allele origin: germline.
Comment: The p.Y171* pathogenic mutation (also known as c.513C>G), located in coding exon 5 of the ATM gene, results from a C to G substitution at nucleotide position 513. This changes the amino acid from a tyrosine to a stop codon within coding exon 5. This variant is considered to be rare based on population cohorts in the Genome Aggregation Database (gnomAD). This alteration is expected to result in loss of function by premature protein truncation or nonsense-mediated mRNA decay. As such, this alteration is interpreted as a disease-causing mutation.

Labcorp Genetics (formerly Invitae), Labcorp
Classification: Pathogenic for Ataxia-telangiectasia syndrome. Last evaluated: 2025-08-30. Review status: criteria provided, single submitter. Criteria: Invitae Variant Classification Sherloc (09022015). Collection method: clinical testing. Allele origin: germline.
Comment: This sequence change creates a premature translational stop signal (p.Tyr171*) in the ATM gene. It is expected to result in an absent or disrupted protein product. Loss-of-function variants in ATM are known to be pathogenic (PMID: 23807571, 25614872). This variant is not present in population databases (gnomAD no frequency). This premature translational stop signal has been observed in individual(s) with ataxia-telangiectasia (PMID: 9887333). ClinVar contains an entry for this variant (Variation ID: 184787). RNA analysis performed to evaluate the impact of this premature translational stop signal on mRNA splicing indicates it does not significantly alter splicing (internal data). For these reasons, this variant has been classified as Pathogenic.

Myriad Genetics, Inc.
Classification: Pathogenic for Familial cancer of breast. Last evaluated: 2024-01-10. Review status: criteria provided, single submitter. Criteria: Myriad Autosomal Dominant, Autosomal Recessive and X-Linked Classification Criteria (2023). Collection method: clinical testing. Allele origin: unknown.
Comment: This variant is considered pathogenic. This variant creates a termination codon and is predicted to result in premature protein truncation.

CeGaT Center for Human Genetics Tuebingen
Classification: Pathogenic. Last evaluated: 2024-01-01. Review status: criteria provided, single submitter. Criteria: CeGaT Center For Human Genetics Tuebingen Variant Classification Criteria Version 2. Collection method: clinical testing. Allele origin: germline. Affected: yes. Observed: 1 variant allele.
Comment: ATM: PVS1, PM2, PM3:Supporting

Baylor Genetics
Classification: Pathogenic for Familial cancer of breast. Last evaluated: 2023-06-20. Review status: criteria provided, single submitter. Criteria: ACMG Guidelines, 2015. Collection method: clinical testing. Allele origin: unknown.

GeneDx
Classification: Pathogenic. Last evaluated: 2020-01-23. Review status: criteria provided, single submitter. Criteria: GeneDx Variant Classification Process June 2021. Collection method: clinical testing. Allele origin: germline. Affected: yes.
Comment: Nonsense variant predicted to result in protein truncation or nonsense mediated decay in a gene for which loss-of-function is a known mechanism of disease; Not observed in large population cohorts (Lek 2016); This variant is associated with the following publications: (PMID: 25525159, 19022408, 9887333, 21778326, 28152038)

Women's Health and Genetics/Laboratory Corporation of America, LabCorp
Classification: Pathogenic for Ataxia-telangiectasia syndrome. Last evaluated: 2016-09-29. Review status: criteria provided, single submitter. Criteria: LabCorp Variant Classification Summary - May 2015. Collection method: clinical testing. Allele origin: germline.
Comment: Variant summary: The ATM c.513C>G (p.Tyr171X) variant results in a premature termination codon, predicted to cause a truncated or absent ATM protein due to nonsense mediated decay, which are commonly known mechanisms for disease. Truncations downstream of this position have been classified as pathogenic by our laboratory (e.g. p.Arg2506fsX3, p.Lys2756X). Mutation taster predicts a damaging outcome for this variant. This variant was absent in 43866 control chromosomes while it was found in at least one AT patient in homozygosity, indicating causality. In addition, a study reported ATM to be undetected in LCLs derived from an AT patient carying the variant of interest in homozygosity; these LCLs also had deregulated SSA and HDR, and were deficient in phosphorylation of SMC1, KAP1, and Chk2, further supporting pathogenicity. Moreover, a clinical diagnostic laboratory classified this variant as pathogenic. Taken together, this variant is classified as pathogenic.

Counsyl
Classification: Likely pathogenic for Ataxia-telangiectasia syndrome. Last evaluated: 2017-10-24. Review status: no assertion criteria provided. Collection method: clinical testing. Allele origin: unknown. Not counted in ClinVar's aggregate classification.

Literature cited by the submitters: PubMed 9887333 (cited by 3 submitters); PubMed 23807571 (cited by Labcorp Genetics (formerly Invitae), Labcorp); PubMed 25614872 (cited by Labcorp Genetics (formerly Invitae), Labcorp); PubMed 21778326 (cited by Women's Health and Genetics/Laboratory Corporation of America, LabCorp and Counsyl).